The following is an entry in ClinVar:

NM_004656.4(BAP1):c.1427T>C (p.Val476Ala)

Gene: BAP1 (BRCA1 associated deubiquitinase 1; minus strand). Cytogenetic location: 3p21.1.
Variant type: single nucleotide variant.
Coding change: c.1427T>C on transcript NM_004656.4 (MANE Select); coding-DNA position 1427, T replaced by C.
Protein change: p.Val476Ala; replaces valine 476 with alanine.
Molecular consequence: missense variant.
Genome position (GRCh38, 1-based): chr3:52,403,718, A>G on the plus strand (T>C on the coding strand, the complement: BAP1 is on the minus strand). VCF-style: chr3-52403718-A-G. GRCh37 (hg19) VCF-style: chr3-52437734-A-G.
Other names: c.1427T>C (LRG_529t1); short protein forms V476A.
Identifiers: ClinVar variation 240048 (VCV000240048.35), dbSNP rs144060813, ClinGen allele CA2436805.

ClinVar aggregate classification (germline): Benign/Likely benign. Review status: criteria provided, multiple submitters, no conflicts (2 of 4 stars). 8 submissions from 8 submitters: Benign (1); Likely benign (6). 1 of the submissions does not count toward it. Last evaluated 2026-01-30.

Conditions:
BAP1-related disorder. Also called: BAP1-related condition.
Hereditary cancer-predisposing syndrome. Also called: Tumor predisposition; Hereditary Cancer Syndrome; Neoplastic Syndromes, Hereditary; Hereditary neoplastic syndrome. Identifiers: Orphanet 140162, MedGen C0027672, MeSH D009386, MONDO:0015356.
BAP1-related tumor predisposition syndrome (TPDS1). Also called: BAP1 tumor predisposition syndrome; Tumor susceptibility linked to germline BAP1 mutations; COMMON Syndrome; TUMOR PREDISPOSITION SYNDROME 1. Identifiers: Orphanet 289539, MedGen C3280492, MONDO:0013692, OMIM 614327.

Allele frequency attached by ClinVar (database versions not stated): gnomAD exomes 0.00002 and 0.00008; ExAC 0.00009; gnomAD 0.00036 and 0.00044; TOPMed 0.00037; ESP Exome Variant Server 0.00062.
gnomAD v4.1: 89 of 1,613,916 alleles (0.0055%); highest among the groups gnomAD compares: African/African-American, 0.11%; no homozygotes.

Submissions (8):

Labcorp Genetics (formerly Invitae), Labcorp
Classification: Likely benign for BAP1-related tumor predisposition syndrome. Last evaluated: 2026-01-30. Review status: criteria provided, single submitter. Criteria: Invitae Variant Classification Sherloc (09022015). Collection method: clinical testing. Allele origin: germline.

CeGaT Center for Human Genetics Tuebingen
Classification: Likely benign. Last evaluated: 2025-09-01. Review status: criteria provided, single submitter. Criteria: CeGaT Center For Human Genetics Tuebingen Variant Classification Criteria Version 2. Collection method: clinical testing. Allele origin: germline. Affected: yes. Observed: 1 variant allele.
Comment: BAP1: BS1

Quest Diagnostics Nichols Institute San Juan Capistrano
Classification: Likely benign. Last evaluated: 2023-02-06. Review status: criteria provided, single submitter. Criteria: Quest Diagnostics criteria. Collection method: clinical testing. Allele origin: unknown.

Ambry Genetics
Classification: Likely benign for Hereditary cancer-predisposing syndrome. Last evaluated: 2021-02-25. Review status: criteria provided, single submitter. Criteria: Ambry Variant Classification Scheme 2023. Collection method: clinical testing. Allele origin: germline.

GeneDx
Classification: Likely benign. Last evaluated: 2020-07-06. Review status: criteria provided, single submitter. Criteria: GeneDx Variant Classification Process June 2021. Collection method: clinical testing. Allele origin: germline. Affected: yes.

Color Diagnostics, LLC DBA Color Health
Classification: Likely benign for Hereditary cancer-predisposing syndrome. Last evaluated: 2020-03-04. Review status: criteria provided, single submitter. Criteria: ACMG Guidelines, 2015. Collection method: clinical testing. Allele origin: germline.

Illumina Laboratory Services, Illumina
Classification: Benign for BAP1-related tumor predisposition syndrome. Last evaluated: 2018-01-13. Review status: criteria provided, single submitter. Criteria: ICSL Variant Classification Criteria 13 December 2019. Collection method: clinical testing. Allele origin: germline.
Comment: This variant was observed in the ICSL laboratory as part of a predisposition screen in an ostensibly healthy population. It had not been previously curated by ICSL or reported in the Human Gene Mutation Database (HGMD: prior to June 1st, 2018), and was therefore a candidate for classification through an automated scoring system. Utilizing variant allele frequency, disease prevalence and penetrance estimates, and inheritance mode, an automated score was calculated to assess if this variant is too frequent to cause the disease. Based on the score and internal cut-off values, a variant classified as benign is not then subjected to further curation. The score for this variant resulted in a classification of benign for this disease.

PreventionGenetics, part of Exact Sciences
Classification: Likely benign for BAP1-related condition. Last evaluated: 2023-05-17. Review status: no assertion criteria provided. Collection method: clinical testing. Allele origin: germline. Not counted in ClinVar's aggregate classification.
Comment: This variant is classified as likely benign based on ACMG/AMP sequence variant interpretation guidelines (Richards et al. 2015 PMID: 25741868, with internal and published modifications).